The following is an entry in ClinVar:

NM_001723.7(DST):c.7367G>A (p.Ser2456Asn)

Gene: DST (dystonin; minus strand). Cytogenetic location: 6p12.1.
Variant type: single nucleotide variant.
Coding change: c.7367G>A on transcript NM_001723.7 (MANE Plus Clinical); coding-DNA position 7367, G replaced by A.
Protein change: p.Ser2456Asn; replaces serine 2456 with asparagine.
Molecular consequence: missense variant. On other transcripts: intron variant (10).
Genome position (GRCh38, 1-based): chr6:56,616,100, C>T on the plus strand (G>A on the coding strand, the complement: DST is on the minus strand). VCF-style: chr6-56616100-C-T. GRCh37 (hg19) VCF-style: chr6-56480898-C-T.
Other names: c.4831-1616G>A (NM_001144769.5); c.4930-1616G>A (NM_001374722.1, NM_001374736.1); c.4957-1616G>A (NM_001374734.1); c.4417-1616G>A (NM_001144770.2); c.4297-1616G>A (NM_001374730.1, NM_001386100.1, NM_183380.4 and 1 more transcripts); c.3319-1616G>A (NM_015548.5); short protein forms S2456N.
Identifiers: ClinVar variation 1007947 (VCV001007947.9), dbSNP rs2098614724, ClinGen allele CA364563139.
Genomic context (GRCh38, chr6:56,616,100, plus strand): 5'-GCAGTAATCCGATCAACCAAATTTCTACGGGAGGCTTTTAGTACAGAGATCCTTTCCCCA[C>T]TAGCAGTCAGCCAATACCCTGCAACAGGACTGTGCAAATCTTTCTTGGGGACTAACCGGC-3'
Protein context (NP_001714.1, residues 2446-2466): SPVAGYWLTA[Ser2456Asn]GERISVLKAS

ClinVar aggregate classification (germline): Uncertain significance (1 of 4 stars; one submission).

Conditions:
Epidermolysis bullosa simplex 3, localized or generalized intermediate, with BP230 deficiency (EBS3). Also called: Epidermolysis bullosa simplex due to BP230 deficiency; Epidermolysis bullosa simplex, autosomal recessive 2. Identifiers: Orphanet 412181, MedGen C3809470, MONDO:0014180, OMIM 615425.
Hereditary sensory and autonomic neuropathy type 6. Also called: HSAN VI; Neuropathy, hereditary sensory and autonomic, type VI. Identifiers: Orphanet 314381, MedGen C3539003, MONDO:0013839, OMIM 614653.

Submission:

Labcorp Genetics (formerly Invitae), Labcorp
Classification: Uncertain significance for Epidermolysis bullosa simplex 3, localized or generalized intermediate, with BP230 deficiency; Hereditary sensory and autonomic neuropathy type 6. Last evaluated: 2020-07-19. Review status: criteria provided, single submitter. Criteria: Invitae Variant Classification Sherloc (09022015). Collection method: clinical testing. Allele origin: germline.
Comment: Algorithms developed to predict the effect of missense changes on protein structure and function (SIFT, PolyPhen-2, Align-GVGD) all suggest that this variant is likely to be tolerated, but these predictions have not been confirmed by published functional studies and their clinical significance is uncertain. This variant has not been reported in the literature in individuals with DST-related conditions. This variant is not present in population databases (ExAC no frequency). This sequence change replaces serine with asparagine at codon 2456 of the DST protein (p.Ser2456Asn). The serine residue is weakly conserved and there is a small physicochemical difference between serine and asparagine. In summary, the available evidence is currently insufficient to determine the role of this variant in disease. Therefore, it has been classified as a Variant of Uncertain Significance.